The following is an entry in ClinVar:

NM_000548.5(TSC2):c.3000G>A (p.Leu1000=)

Gene: TSC2 (TSC complex subunit 2; plus strand). Cytogenetic location: 16p13.3.
Variant type: single nucleotide variant.
Coding change: c.3000G>A on transcript NM_000548.5 (MANE Select); coding-DNA position 3000, G replaced by A.
Protein change: p.Leu1000=; no amino-acid change (leucine 1000 retained).
Molecular consequence: synonymous variant.
Genome position (GRCh38, 1-based): chr16:2,079,065, G>A. VCF-style: chr16-2079065-G-A. GRCh37 (hg19) VCF-style: chr16-2129066-G-A.
Other names: c.2868G>A, p.Leu956= (NM_001077183.3, NM_001370404.1); c.3000G>A, p.Leu1000= (NM_001114382.3); c.2760G>A, p.Leu920= (NM_001318827.2); c.2724G>A, p.Leu908= (NM_001318829.2); c.2268G>A, p.Leu756= (NM_001318831.2); c.2901G>A, p.Leu967= (NM_001318832.2); c.2871G>A, p.Leu957= (NM_001363528.2, NM_001370405.1, NM_021055.3).
Identifiers: ClinVar variation 1124125 (VCV001124125.12), dbSNP rs2151431126, ClinGen allele CA493042712.
Genomic context (GRCh38, chr16:2,079,065, plus strand): 5'-GACCCTGGTCACGGCCTCTCCCTCCAGCAGGATACAGACGTCCCTCACCAGTGCCAGCTT[G>A]GGGTCTGCAGATGAGAACTCCGTGGCCCAGGCTGACGATAGCCTGAAAAACCTCCACCTG-3'
Protein context (NP_000539.2, residues 990-1010): RIQTSLTSAS[Leu1000=]GSADENSVAQ

ClinVar aggregate classification (germline): Benign/Likely benign. Review status: criteria provided, multiple submitters, no conflicts (2 of 4 stars). 3 submissions from 3 submitters: Benign (1); Likely benign (2). Last evaluated 2025-05-27.

Conditions:
Hereditary cancer-predisposing syndrome. Also called: Neoplastic Syndromes, Hereditary; Tumor predisposition; Hereditary Cancer Syndrome; Hereditary neoplastic syndrome. Identifiers: Orphanet 140162, MedGen C0027672, MeSH D009386, MONDO:0015356.
Tuberous sclerosis 2 (TSC2). Identifiers: Orphanet 805, MedGen C1860707, MONDO:0013199, OMIM 613254.

Submissions (3):

Myriad Genetics, Inc.
Classification: Benign for Tuberous sclerosis 2. Last evaluated: 2025-05-27. Review status: criteria provided, single submitter. Criteria: Myriad Autosomal Dominant, Autosomal Recessive and X-Linked Classification Criteria (2023). Collection method: clinical testing. Allele origin: unknown.
Comment: This variant is considered benign. This variant is a silent/synonymous amino acid change and it is not expected to impact splicing.

Ambry Genetics
Classification: Likely benign for Hereditary cancer-predisposing syndrome. Last evaluated: 2022-10-17. Review status: criteria provided, single submitter. Criteria: Ambry Variant Classification Scheme 2023. Collection method: clinical testing. Allele origin: germline.

Labcorp Genetics (formerly Invitae), Labcorp
Classification: Likely benign for Tuberous sclerosis 2. Last evaluated: 2022-10-14. Review status: criteria provided, single submitter. Criteria: Invitae Variant Classification Sherloc (09022015). Collection method: clinical testing. Allele origin: germline.